The following is an entry in ClinVar:

NM_018896.5(CACNA1G):c.2699T>C (p.Leu900Pro)

Gene: CACNA1G (calcium voltage-gated channel subunit alpha1 G; plus strand). Cytogenetic location: 17q21.33.
Variant type: single nucleotide variant.
Coding change: c.2699T>C on transcript NM_018896.5 (MANE Select); coding-DNA position 2699, T replaced by C.
Protein change: p.Leu900Pro; replaces leucine 900 with proline.
Molecular consequence: missense variant. On other transcripts: non-coding transcript variant (5).
Genome position (GRCh38, 1-based): chr17:50,591,798, T>C. VCF-style: chr17-50591798-T-C. GRCh37 (hg19) VCF-style: chr17-48669159-T-C.
Other names: c.2699T>C, p.Leu900Pro (NM_001256324.2, NM_001256325.2, NM_001256326.2 and 24 more transcripts); short protein forms L900P.
Identifiers: ClinVar variation 5019344 (VCV005019344.2).

ClinVar aggregate classification (germline): Uncertain significance (1 of 4 stars; one submission).

Conditions:
Spinocerebellar ataxia type 42. Identifiers: Orphanet 458803, MedGen C4225205, MONDO:0014776, OMIM 616795.
Spinocerebellar ataxia 42, early-onset, severe, with neurodevelopmental deficits. Identifiers: MedGen C4748120, MONDO:0060758, OMIM 618087.

Submission:

Juno Genomics, Hangzhou Juno Genomics, Inc
Classification: Uncertain significance for Spinocerebellar ataxia type 42; Spinocerebellar ataxia 42, early-onset, severe, with neurodevelopmental deficits. Review status: criteria provided, single submitter. Criteria: ACMG Guidelines, 2015. Collection method: clinical testing. Allele origin: germline.
Comment: Absent from controls (or at extremely low frequency if recessive) in Genome Aggregation Database.;Missense variant in a gene that has a low rate of benign missense variation.;Multiple lines of computational evidence support a deleterious effect on the gene or gene product.